The following is an entry in ClinVar:

ClinVar aggregate classification (germline): Conflicting classifications of pathogenicity. Review status: criteria provided, conflicting classifications (1 of 4 stars). 5 submissions from 5 submitters: Uncertain significance (1); Likely benign (3). 1 of the submissions does not count toward it. Last evaluated 2026-02-02.

Conditions:
Developmental and epileptic encephalopathy, 42 (DEE42A). Also called: DEVELOPMENTAL AND EPILEPTIC ENCEPHALOPATHY 42A; EPILEPTIC ENCEPHALOPATHY, EARLY INFANTILE, 42A; Epileptic encephalopathy, early infantile, 42. Identifiers: MedGen C4310716, MONDO:0014917, OMIM 617106.
Episodic ataxia type 2 (EA2). Also called: ATAXIA, EPISODIC, WITH NYSTAGMUS; ATAXIA, FAMILIAL PAROXYSMAL; CEREBELLAR ATAXIA, PAROXYSMAL, ACETAZOLAMIDE-RESPONSIVE; CEREBELLOPATHY, HEREDITARY PAROXYSMAL; EPISODIC ATAXIA, NYSTAGMUS-ASSOCIATED; ACETAZOLAMIDE-RESPONSIVE HEREDITARY PAROXYSMAL CEREBELLAR ATAXIA. Identifiers: Orphanet 97, MedGen C1720416, MONDO:0007163, OMIM 108500.
CACNA1A-related disorder. Also called: CACNA1A-related condition.
Inborn genetic diseases. Identifiers: MedGen C0950123, MeSH D030342.

Allele frequency attached by ClinVar (database versions not stated): gnomAD exomes 0.00004 and 0.00009; TOPMed 0.00004; ExAC 0.00009.
gnomAD v4.1: 26 of 1,613,790 alleles (0.0016%); highest among the groups gnomAD compares: Admixed American, 0.042%; no homozygotes.

Submissions (5):

Labcorp Genetics (formerly Invitae), Labcorp
Classification: Likely benign for Developmental and epileptic encephalopathy, 42; Episodic ataxia type 2. Last evaluated: 2026-02-02. Review status: criteria provided, single submitter. Criteria: Invitae Variant Classification Sherloc (09022015). Collection method: clinical testing. Allele origin: germline.

Ambry Genetics
Classification: Likely benign for Inborn genetic diseases. Last evaluated: 2024-12-04. Review status: criteria provided, single submitter. Criteria: Ambry Variant Classification Scheme 2023. Collection method: clinical testing. Allele origin: germline.

GeneDx
Classification: Likely benign. Last evaluated: 2020-09-02. Review status: criteria provided, single submitter. Criteria: GeneDx Variant Classification Process June 2021. Collection method: clinical testing. Allele origin: germline. Affected: yes.

Eurofins Ntd Llc (ga)
Classification: Uncertain significance. Last evaluated: 2015-08-20. Review status: criteria provided, single submitter. Criteria: EGL Classification Definitions 2015. Collection method: clinical testing. Allele origin: germline. Observed: 1 variant allele, 1 heterozygote.

PreventionGenetics, part of Exact Sciences
Classification: Likely benign for CACNA1A-related condition. Last evaluated: 2024-05-09. Review status: no assertion criteria provided. Collection method: clinical testing. Allele origin: germline. Not counted in ClinVar's aggregate classification.
Comment: This variant is classified as likely benign based on ACMG/AMP sequence variant interpretation guidelines (Richards et al. 2015 PMID: 25741868, with internal and published modifications).

NM_001127222.2(CACNA1A):c.6257G>T (p.Gly2086Val)

Gene: CACNA1A (calcium voltage-gated channel subunit alpha1 A; minus strand). Cytogenetic location: 19p13.13.
Variant type: single nucleotide variant.
Coding change: c.6257G>T on transcript NM_001127222.2 (MANE Select); coding-DNA position 6257, G replaced by T.
Protein change: p.Gly2086Val; replaces glycine 2086 with valine.
Molecular consequence: missense variant.
Genome position (GRCh38, 1-based): chr19:13,212,149, C>A on the plus strand (G>T on the coding strand, the complement: CACNA1A is on the minus strand). VCF-style: chr19-13212149-C-A. GRCh37 (hg19) VCF-style: chr19-13322963-C-A.
Other names: c.6275G>T, p.Gly2092Val (NM_000068.4, NM_023035.3); c.6260G>T, p.Gly2087Val (NM_001127221.2); c.6266G>T, p.Gly2089Val (NM_001174080.2); c.6257G>T (NM_001127222.1); short protein forms G2087V, G2092V, G2086V, G2089V.
Identifiers: ClinVar variation 282735 (VCV000282735.19), dbSNP rs765051582, ClinGen allele CA9239420.